The following is an entry in ClinVar:

NM_001040108.2(MLH3):c.3300A>G (p.Gln1100=)

Gene: MLH3 (mutL homolog 3; minus strand). Cytogenetic location: 14q24.3.
Variant type: single nucleotide variant.
Coding change: c.3300A>G on transcript NM_001040108.2 (MANE Select); coding-DNA position 3300, A replaced by G.
Protein change: p.Gln1100=; no amino-acid change (glutamine 1100 retained).
Molecular consequence: synonymous variant.
Genome position (GRCh38, 1-based): chr14:75,042,458, T>C on the plus strand (A>G on the coding strand, the complement: MLH3 is on the minus strand). VCF-style: chr14-75042458-T-C. GRCh37 (hg19) VCF-style: chr14-75509161-T-C.
Other names: c.3300A>G, p.Gln1100= (NM_014381.3).
Identifiers: ClinVar variation 1729974 (VCV001729974.6), dbSNP rs920217576, ClinGen allele CA263646154.

ClinVar aggregate classification (germline): Benign/Likely benign. Review status: criteria provided, multiple submitters, no conflicts (2 of 4 stars). 3 submissions from 3 submitters: Benign (1); Likely benign (2). Last evaluated 2026-05-05.

Conditions:
Colorectal cancer, hereditary nonpolyposis, type 7. Identifiers: Orphanet 144, MedGen C1858380, MONDO:0013725, OMIM 614385.

Submissions (3):

Myriad Genetics, Inc.
Classification: Benign for Colorectal cancer, hereditary nonpolyposis, type 7. Last evaluated: 2026-05-05. Review status: criteria provided, single submitter. Criteria: Myriad Autosomal Dominant, Autosomal Recessive and X-Linked Classification Criteria (2023). Collection method: clinical testing. Allele origin: unknown.
Comment: This variant is considered benign. This variant is a silent/synonymous amino acid change and it is not expected to impact splicing.

Labcorp Genetics (formerly Invitae), Labcorp
Classification: Likely benign for Colorectal cancer, hereditary nonpolyposis, type 7. Last evaluated: 2025-07-31. Review status: criteria provided, single submitter. Criteria: Invitae Variant Classification Sherloc (09022015). Collection method: clinical testing. Allele origin: germline.

Ambry Genetics
Classification: Likely benign. Last evaluated: 2020-10-20. Review status: criteria provided, single submitter. Criteria: Ambry Variant Classification Scheme 2023. Collection method: clinical testing. Allele origin: germline.